The following is an entry in ClinVar:

NM_001165963.4(SCN1A):c.799C>T (p.Gln267Ter)

Gene: SCN1A (sodium voltage-gated channel alpha subunit 1; minus strand). Cytogenetic location: 2q24.3.
Variant type: single nucleotide variant.
Coding change: c.799C>T on transcript NM_001165963.4 (MANE Select); coding-DNA position 799, C replaced by T.
Protein change: p.Gln267Ter; replaces glutamine 267 with a stop codon.
Molecular consequence: nonsense. On other transcripts: 5 prime UTR variant (1), non-coding transcript variant (1).
Genome position (GRCh38, 1-based): chr2:166,051,884, G>A on the plus strand (C>T on the coding strand, the complement: SCN1A is on the minus strand). VCF-style: chr2-166051884-G-A. GRCh37 (hg19) VCF-style: chr2-166908394-G-A.
Other names: c.799C>T, p.Gln267Ter (NM_001165964.3, NM_001202435.3, NM_001353948.2 and 10 more transcripts); c.-1627C>T (NM_001353961.2); short protein forms Q267*.
Identifiers: ClinVar variation 2734316 (VCV002734316.3), dbSNP rs2468223530, ClinGen allele CA349073307.

ClinVar aggregate classification (germline): Pathogenic (1 of 4 stars; one submission).

Conditions:
Early-infantile DEE. Also called: Early infantile epileptic encephalopathy; Early infantile epileptic encephalopathy with suppression bursts; Ohtahara syndrome. Identifiers: Orphanet 1934, MedGen C0393706, MONDO:0800491.

Submission:

Labcorp Genetics (formerly Invitae), Labcorp
Classification: Pathogenic for Early-infantile DEE. Last evaluated: 2023-12-25. Review status: criteria provided, single submitter. Criteria: Invitae Variant Classification Sherloc (09022015). Collection method: clinical testing. Allele origin: germline.
Comment: This sequence change creates a premature translational stop signal (p.Gln267*) in the SCN1A gene. It is expected to result in an absent or disrupted protein product. Loss-of-function variants in SCN1A are known to be pathogenic (PMID: 17347258, 18930999). This variant is not present in population databases (gnomAD no frequency). This premature translational stop signal has been observed in individual(s) with SCN1A-related conditions (PMID: 23195492). For these reasons, this variant has been classified as Pathogenic.

Literature cited by the submitters: PubMed 17347258; PubMed 18930999; PubMed 23195492.